The following is an entry in ClinVar:

ClinVar aggregate classification (germline): Uncertain significance (1 of 4 stars; one submission).

gnomAD v4.1: 6 of 1,613,584 alleles (0.00037%); highest among the groups gnomAD compares: African/African-American, 0.0027%; no homozygotes.

Submission:

Labcorp Genetics (formerly Invitae), Labcorp
Classification: Uncertain significance. Last evaluated: 2024-03-15. Review status: criteria provided, single submitter. Criteria: Invitae Variant Classification Sherloc (09022015). Collection method: clinical testing. Allele origin: germline.
Comment: This sequence change replaces proline, which is neutral and non-polar, with glutamine, which is neutral and polar, at codon 162 of the PITX1 protein (p.Pro162Gln). This variant is present in population databases (no rsID available, gnomAD 0.007%). This variant has not been reported in the literature in individuals affected with PITX1-related conditions. ClinVar contains an entry for this variant (Variation ID: 1922800). Advanced modeling of protein sequence and biophysical properties (such as structural, functional, and spatial information, amino acid conservation, physicochemical variation, residue mobility, and thermodynamic stability) performed at Invitae indicates that this missense variant is not expected to disrupt PITX1 protein function with a negative predictive value of 80%. In summary, the available evidence is currently insufficient to determine the role of this variant in disease. Therefore, it has been classified as a Variant of Uncertain Significance.

NM_002653.5(PITX1):c.485C>A (p.Pro162Gln)

Gene: PITX1 (paired like homeodomain 1; minus strand). Cytogenetic location: 5q31.1.
Variant type: single nucleotide variant.
Coding change: c.485C>A on transcript NM_002653.5 (MANE Select); coding-DNA position 485, C replaced by A.
Protein change: p.Pro162Gln; replaces proline 162 with glutamine.
Molecular consequence: missense variant.
Genome position (GRCh38, 1-based): chr5:135,029,239, G>T on the plus strand (C>A on the coding strand, the complement: PITX1 is on the minus strand). VCF-style: chr5-135029239-G-T. GRCh37 (hg19) VCF-style: chr5-134364929-G-T.
Other names: short protein forms P162Q.
Identifiers: ClinVar variation 1922800 (VCV001922800.5), dbSNP rs1265370549, ClinGen allele CA361028162.